The following is an entry in ClinVar:

NM_000214.3(JAG1):c.2458+5G>T

Gene: JAG1 (jagged canonical Notch ligand 1; minus strand). Cytogenetic location: 20p12.2.
Variant type: single nucleotide variant.
Coding change: c.2458+5G>T on transcript NM_000214.3 (MANE Select); 5 bases into the intron after coding-DNA position 2458, G replaced by T.
Molecular consequence: intron variant.
Genome position (GRCh38, 1-based): chr20:10,643,773, C>A on the plus strand (G>T on the coding strand, the complement: JAG1 is on the minus strand). VCF-style: chr20-10643773-C-A. GRCh37 (hg19) VCF-style: chr20-10624421-C-A.
Identifiers: ClinVar variation 4879864 (VCV004879864.1).
Genomic context (GRCh38, chr20:10,643,773, plus strand): 5'-CTTGGGGTGAGGCATGGAATGAAGCGGTAAAGCCATTGGGAAAACCAGACGGAGACAGTC[C>A]TTACTTATTCTGCAGTCGGGCCCAGCAAAACCCGGGGCACATTCGCACCGGTACCAGTTG-3'

ClinVar aggregate classification (germline): Likely pathogenic (1 of 4 stars; one submission).

Conditions:
Alagille syndrome due to a JAG1 point mutation. Also called: HEPATIC DUCTULAR HYPOPLASIA, SYNDROMATIC; Alagille Syndrome 1; JAG1-Related Alagille Syndrome. Identifiers: Orphanet 261619, Orphanet 52, MedGen C1956125, MONDO:0016862, OMIM 118450.

Submission:

MVZ Medizinische Genetik Mainz
Classification: Likely pathogenic for Alagille syndrome due to a JAG1 point mutation. Last evaluated: 2026-07-08. Review status: criteria provided, single submitter. Criteria: UK Practice Guidelines For Variant Classification V4 01 2020. Collection method: clinical testing. Allele origin: germline. Inheritance: Autosomal dominant inheritance. Affected: yes. Observed: 1 variant allele.
Comment: ACMG Criteria: PS1,PM2_SUP,PP3